The following is an entry in ClinVar:

ClinVar aggregate classification (germline): Uncertain significance. Review status: criteria provided, multiple submitters, no conflicts (2 of 4 stars). 3 submissions from 3 submitters: Uncertain significance (2). 1 of the submissions does not count toward it. Last evaluated 2022-07-20.

Conditions:
Inborn genetic diseases. Identifiers: MedGen C0950123, MeSH D030342.
MHC class II deficiency. Also called: BLS, TYPE II; Bare lymphocyte syndrome 2. Identifiers: Orphanet 572, MedGen C5447452, MONDO:0008855.

Allele frequency attached by ClinVar (database versions not stated): TOPMed 0.00002; gnomAD 0.00003 and 0.00004; gnomAD exomes 0.00004 and 0.00006; ExAC 0.00005; ESP Exome Variant Server 0.00008.
gnomAD v4.1: 72 of 1,614,036 alleles (0.0045%); highest among the groups gnomAD compares: South Asian, 0.029%; no homozygotes.

Submissions (3):

Ambry Genetics
Classification: Uncertain significance for Inborn genetic diseases. Last evaluated: 2022-07-20. Review status: criteria provided, single submitter. Criteria: Ambry Variant Classification Scheme 2023. Collection method: clinical testing. Allele origin: germline.

Labcorp Genetics (formerly Invitae), Labcorp
Classification: Uncertain significance for MHC class II deficiency. Last evaluated: 2022-06-13. Review status: criteria provided, single submitter. Criteria: Invitae Variant Classification Sherloc (09022015). Collection method: clinical testing. Allele origin: germline.
Comment: This sequence change replaces alanine, which is neutral and non-polar, with valine, which is neutral and non-polar, at codon 689 of the CIITA protein (p.Ala689Val). This variant is present in population databases (rs144027273, gnomAD 0.03%). This variant has not been reported in the literature in individuals affected with CIITA-related conditions. ClinVar contains an entry for this variant (Variation ID: 1022206). Algorithms developed to predict the effect of missense changes on protein structure and function are either unavailable or do not agree on the potential impact of this missense change (SIFT: "Tolerated"; PolyPhen-2: "Possibly Damaging"; Align-GVGD: "Class C0"). Algorithms developed to predict the effect of sequence changes on RNA splicing suggest that this variant may create or strengthen a splice site. In summary, the available evidence is currently insufficient to determine the role of this variant in disease. Therefore, it has been classified as a Variant of Uncertain Significance.

Natera, Inc.
Classification: Uncertain significance for Bare lymphocyte syndrome type II. Last evaluated: 2020-02-21. Review status: no assertion criteria provided. Collection method: clinical testing. Allele origin: germline. Not counted in ClinVar's aggregate classification.

NM_000246.4(CIITA):c.2066C>T (p.Ala689Val)

Gene: CIITA (class II major histocompatibility complex transactivator; plus strand). Cytogenetic location: 16p13.13.
Variant type: single nucleotide variant.
Coding change: c.2066C>T on transcript NM_000246.4 (MANE Select); coding-DNA position 2066, C replaced by T.
Protein change: p.Ala689Val; replaces alanine 689 with valine.
Molecular consequence: missense variant. On other transcripts: intron variant (1).
Genome position (GRCh38, 1-based): chr16:10,907,558, C>T. VCF-style: chr16-10907558-C-T. GRCh37 (hg19) VCF-style: chr16-11001415-C-T.
Other names: c.2069C>T, p.Ala690Val (NM_001286402.1, NM_001379332.1); c.1922C>T, p.Ala641Val (NM_001379330.1); c.1919C>T, p.Ala640Val (NM_001379331.1); c.2066C>T, p.Ala689Val (NM_001379333.1); c.1997C>T, p.Ala666Val (NM_001379334.1); c.860-1425C>T (NM_001286403.2); c.2066C>T (NM_000246.3); short protein forms A640V, A641V, A666V, A689V, A690V.
Identifiers: ClinVar variation 1022206 (VCV001022206.8), dbSNP rs144027273, ClinGen allele CA7900283.